The following is an entry in ClinVar:

ClinVar aggregate classification (germline): Pathogenic (1 of 4 stars; one submission).

Conditions:
Hypertrophic cardiomyopathy. Also called: HYPERTROPHIC MYOCARDIOPATHY. Identifiers: Orphanet 217569, MedGen C0007194, MeSH D002312, MONDO:0005045, HP:0001639.

Submission:

Labcorp Genetics (formerly Invitae), Labcorp
Classification: Pathogenic for Hypertrophic cardiomyopathy. Last evaluated: 2020-10-07. Review status: criteria provided, single submitter. Criteria: Invitae Variant Classification Sherloc (09022015). Collection method: clinical testing. Allele origin: germline.
Comment: This variant is a gross deletion of the genomic region encompassing exon(s) 1-17 of the MYBPC3 gene, which includes the initiator codon. The 5' end of this event is unknown as it extends beyond the assayed region for this gene and therefore may encompass additional genes. The 3' boundary is likely confined to intron 17 of the MYBPC3 gene. This is expected to result in an absent or disrupted protein product. This variant has not been reported in the literature in individuals with MYBPC3-related conditions. Loss-of-function variants in MYBPC3 are known to be pathogenic (PMID: 19574547). For these reasons, this variant has been classified as Pathogenic.

Literature cited by the submitters: PubMed 19574547.

NC_000011.9:g.(?_47364119)_(47374208_?)del

Gene: MYBPC3 (myosin binding protein C3; minus strand). Cytogenetic location: 11p11.2.
Variant type: Deletion.
Identifiers: ClinVar variation 1069672 (VCV001069672.1).